The following is an entry in ClinVar:

NM_004380.3(CREBBP):c.2728A>G (p.Thr910Ala)

Gene: CREBBP (CREB binding lysine acetyltransferase; minus strand). Cytogenetic location: 16p13.3.
Variant type: single nucleotide variant.
Coding change: c.2728A>G on transcript NM_004380.3 (MANE Select); coding-DNA position 2728, A replaced by G.
Protein change: p.Thr910Ala; replaces threonine 910 with alanine.
Molecular consequence: missense variant.
Genome position (GRCh38, 1-based): chr16:3,770,722, T>C on the plus strand (A>G on the coding strand, the complement: CREBBP is on the minus strand). VCF-style: chr16-3770722-T-C. GRCh37 (hg19) VCF-style: chr16-3820723-T-C.
Other names: c.2614A>G, p.Thr872Ala (NM_001079846.1); short protein forms T910A, T872A.
Identifiers: ClinVar variation 30042 (VCV000030042.64), dbSNP rs143247685, ClinGen allele CA171789.

ClinVar aggregate classification (germline): Benign/Likely benign. Review status: criteria provided, multiple submitters, no conflicts (2 of 4 stars). 17 submissions from 17 submitters: Benign (4); Likely benign (5). 8 of the submissions do not count toward it. Last evaluated 2026-09-01.

Conditions:
CREBBP-related disorder. Also called: CREBBP-related disorders; CREBBP-related condition.
Rubinstein-Taybi syndrome (RSTS). Identifiers: Orphanet 783, MedGen C0035934, MONDO:0019188.
Inborn genetic diseases. Identifiers: MedGen C0950123, MeSH D030342.
Rubinstein-Taybi syndrome due to CREBBP mutations (RSTS1). Also called: BROAD THUMB-HALLUX SYNDROME; RUBINSTEIN-TAYBI SYNDROME 1, INCOMPLETE; BROAD THUMBS AND GREAT TOES, CHARACTERISTIC FACIES, AND IMPAIRED INTELLECTUAL DEVELOPMENT; CREBBP-Related Rubinstein-Taybi Syndrome; RUBINSTEIN SYNDROME; Rubinstein-Taybi syndrome 1. Identifiers: Orphanet 353277, Orphanet 783, MedGen C4551859, MONDO:0008393, OMIM 180849.
Intellectual disability. Also called: Intellectual functioning disability; intellectual disabilities; Intellectual developmental disorder. Identifiers: MedGen C3714756, MeSH D008607, MONDO:0001071, HP:0001249.
Tip-toe gait. Also called: Toe walking. Identifiers: MedGen C0427144, HP:0030051.

Allele frequency attached by ClinVar (database versions not stated): 1000 Genomes Project 30x 0.00031; 1000 Genomes Project 0.00040; TOPMed 0.00157; ESP Exome Variant Server 0.00231.
gnomAD v4.1: 3,840 of 1,613,886 alleles (0.24%); highest among the groups gnomAD compares: Non-Finnish European, 0.25%; 9 homozygotes.

Submissions (17):

CeGaT Center for Human Genetics Tuebingen
Classification: Likely benign. Last evaluated: 2026-09-01. Review status: criteria provided, single submitter. Criteria: CeGaT Center For Human Genetics Tuebingen Variant Classification Criteria Version 2. Collection method: clinical testing. Allele origin: germline. Affected: yes. Observed: 45 variant alleles.
Comment: CREBBP: PP2, BP4, BS1

Labcorp Genetics (formerly Invitae), Labcorp
Classification: Benign for Rubinstein-Taybi syndrome. Last evaluated: 2026-01-27. Review status: criteria provided, single submitter. Criteria: Invitae Variant Classification Sherloc (09022015). Collection method: clinical testing. Allele origin: germline.

Ambry Genetics
Classification: Likely benign for Inborn genetic diseases. Last evaluated: 2025-04-02. Review status: criteria provided, single submitter. Criteria: Ambry Variant Classification Scheme 2023. Collection method: clinical testing. Allele origin: germline.

Blueprint Genetics
Classification: Likely benign. Last evaluated: 2024-11-27. Review status: criteria provided, single submitter. Criteria: ACMG Guidelines, 2015. Collection method: clinical testing. Allele origin: germline.

GeneDx
Classification: Benign. Last evaluated: 2019-04-09. Review status: criteria provided, single submitter. Criteria: GeneDx Variant Classification Process June 2021. Collection method: clinical testing. Allele origin: germline. Affected: yes.
Comment: This variant is associated with the following publications: (PMID: 20684013)

Center for Pediatric Genomic Medicine, Children's Mercy Hospital and Clinics
Classification: Benign. Last evaluated: 2016-09-01. Review status: criteria provided, single submitter. Criteria: ACMG Guidelines, 2015. Collection method: clinical testing. Allele origin: germline.

Genetic Services Laboratory, University of Chicago
Classification: Likely benign. Last evaluated: 2014-05-15. Review status: criteria provided, single submitter. Criteria: ACMG Guidelines, 2015. Collection method: clinical testing. Allele origin: germline. Inheritance: Autosomal dominant inheritance.
Comment: Likely benign based on allele frequency in 1000 Genomes Project or ESP global frequency and its presence in a patient with a rare or unrelated disease phenotype. NOT Sanger confirmed

Eurofins Ntd Llc (ga)
Classification: Benign. Last evaluated: 2013-12-18. Review status: criteria provided, single submitter. Criteria: EGL Classification Definitions 2015. Collection method: clinical testing. Allele origin: germline. Observed: 2 variant alleles, 2 heterozygotes.

Breakthrough Genomics
Classification: Likely benign. Review status: criteria provided, single submitter. Criteria: ACMG Guidelines, 2015. Collection method: not provided. Allele origin: germline. Inheritance: Autosomal dominant inheritance. Affected: yes.

Practice for Gait Abnormalities, David Pomarino, Competency Network Toe Walking C/o Practice Pomarino
Classification: Likely pathogenic for Tip-toe gait. Last evaluated: 2022-04-04. Review status: no assertion criteria provided. Collection method: clinical testing. Allele origin: germline. Affected: yes. Not counted in ClinVar's aggregate classification.
Comment: Hereditary motor sensory neuropathy (HMSN), also known as Charcot-Marie-Tooth Disease (CMT), is the most commonly inherited peripheral polyneuropathy. It constitutes a group of inherited, progressive, motor and sensory peripheral nerve disorders with properties of demyelination, axonal degeneration, or both. It is classified by clinical characteristics, modes of inheritance, electrophysiologic features, metabolic defects, and specific gene markers. Our patients all walk on tiptoe, so they show similar symptoms. When we genetically test them with our toe walking panel, we find that around 90 per cent of them have a genetic variant that explains their toe walking. These can be assigned, for example, to the area of myopathies (such as variants of the COL6A3 gene), the area of hereditary neuropathies (such as variants of the KMT2C gene) or the area of metabolic diseases (such as variants of the PYGM gene). In a smaller group of patients with almost identical symptoms, no abnormality is found in the genes of our panel, but spastic paraplegia can be detected. In another small group of our toe walkers, no abnormalities can be detected in the genes analysed in our toe walking panel, nor do they suffer from spastic paraplegia, as is also the case with healthy children. In contrast to these, however, they show a tiptoe gait. These patients suffer from infantile cerebral palsy, in which toe walking can also be observed.

PreventionGenetics, part of Exact Sciences
Classification: Benign for CREBBP-related condition. Last evaluated: 2019-04-15. Review status: no assertion criteria provided. Collection method: clinical testing. Allele origin: germline. Not counted in ClinVar's aggregate classification.
Comment: This variant is classified as benign based on ACMG/AMP sequence variant interpretation guidelines (Richards et al. 2015 PMID: 25741868, with internal and published modifications).

Centre de Biologie Pathologie Génétique, Centre Hospitalier Universitaire de Lille
Classification: Likely benign for Intellectual disability. Last evaluated: 2019-01-01. Review status: no assertion criteria provided. Collection method: clinical testing. Allele origin: inherited. Affected: yes. Not counted in ClinVar's aggregate classification.

OMIM
Classification: Pathogenic for RUBINSTEIN-TAYBI SYNDROME 1, INCOMPLETE. Last evaluated: 2010-09-01. Review status: no assertion criteria provided. Collection method: literature only. Allele origin: germline. Not counted in ClinVar's aggregate classification.

Clinical Genetics DNA and cytogenetics Diagnostics Lab, Erasmus MC, Erasmus Medical Center
Classification: Likely benign. Review status: no assertion criteria provided. Collection method: clinical testing. Allele origin: germline. Affected: yes. Study: VKGL Data-share Consensus. Not counted in ClinVar's aggregate classification.

Diagnostic Laboratory, Department of Genetics, University Medical Center Groningen
Classification: Benign. Review status: no assertion criteria provided. Collection method: clinical testing. Allele origin: germline. Affected: yes. Study: VKGL Data-share Consensus. Not counted in ClinVar's aggregate classification.

Genome Diagnostics Laboratory, University Medical Center Utrecht
Classification: Likely benign. Review status: no assertion criteria provided. Collection method: clinical testing. Allele origin: germline. Affected: yes. Study: VKGL Data-share Consensus. Not counted in ClinVar's aggregate classification.

Joint Genome Diagnostic Labs from Nijmegen and Maastricht, Radboudumc and MUMC+
Classification: Benign. Review status: no assertion criteria provided. Collection method: clinical testing. Allele origin: germline. Affected: yes. Study: VKGL Data-share Consensus. Not counted in ClinVar's aggregate classification.

Literature cited by the submitters: PubMed 37091313 (cited by Practice for Gait Abnormalities, David Pomarino, Competency Network Toe Walking C/o Practice Pomarino); PubMed 20684013 (cited by OMIM).